The following is an entry in ClinVar:

NM_001130144.3(LTBP3):c.2456G>A (p.Arg819Lys)

Gene: LTBP3 (latent transforming growth factor beta binding protein 3; minus strand). Cytogenetic location: 11q13.1.
Variant type: single nucleotide variant.
Coding change: c.2456G>A on transcript NM_001130144.3 (MANE Select); coding-DNA position 2456, G replaced by A.
Protein change: p.Arg819Lys; replaces arginine 819 with lysine.
Molecular consequence: missense variant.
Genome position (GRCh38, 1-based): chr11:65,543,447, C>T on the plus strand (G>A on the coding strand, the complement: LTBP3 is on the minus strand). VCF-style: chr11-65543447-C-T. GRCh37 (hg19) VCF-style: chr11-65310918-C-T.
Other names: c.2105G>A, p.Arg702Lys (NM_001164266.1); c.2456G>A, p.Arg819Lys (NM_021070.4); short protein forms R702K, R819K.
Identifiers: ClinVar variation 1005271 (VCV001005271.10), dbSNP rs1856241830, ClinGen allele CA381269237.
Genomic context (GRCh38, chr11:65,543,447, plus strand): 5'-GGGAGGGACAGGTCAGCACCCCAGCTCTAAGATCCCTCACCCTCGCAGTGGCTCCGGTCC[C>T]TGGACAGATGGTAGCCAGAGAGGCACTGACACTGGAAAGATCCTGGCGTGTTGCTGCAGA-3'
Protein context (NP_001123616.1, residues 809-829): CQCLSGYHLS[Arg819Lys]DRSHCEDIDE

ClinVar aggregate classification (germline): Uncertain significance (1 of 4 stars; one submission).

Conditions:
Brachyolmia-amelogenesis imperfecta syndrome. Also called: Tooth agenesis, selective, 6; Dental anomalies and short stature; PLATYSPONDYLY WITH AMELOGENESIS IMPERFECTA. Identifiers: Orphanet 2899, MedGen C1832594, MONDO:0011018, OMIM 601216. Disease mechanism: loss of function.

Submission:

Labcorp Genetics (formerly Invitae), Labcorp
Classification: Uncertain significance for Brachyolmia-amelogenesis imperfecta syndrome. Last evaluated: 2024-06-16. Review status: criteria provided, single submitter. Criteria: Invitae Variant Classification Sherloc (09022015). Collection method: clinical testing. Allele origin: germline.
Comment: This sequence change replaces arginine, which is basic and polar, with lysine, which is basic and polar, at codon 819 of the LTBP3 protein (p.Arg819Lys). This variant is not present in population databases (gnomAD no frequency). This variant has not been reported in the literature in individuals affected with LTBP3-related conditions. ClinVar contains an entry for this variant (Variation ID: 1005271). An algorithm developed to predict the effect of missense changes on protein structure and function (PolyPhen-2) suggests that this variant is likely to be tolerated. In summary, the available evidence is currently insufficient to determine the role of this variant in disease. Therefore, it has been classified as a Variant of Uncertain Significance.